The following is an entry in ClinVar:

NM_001122659.3(EDNRB):c.757C>T (p.Arg253Ter)

Genes: EDNRB (endothelin receptor type B; minus strand), EDNRB-AS1 (EDNRB antisense RNA 1; plus strand). Cytogenetic location: 13q22.3.
Variant type: single nucleotide variant.
Coding change: c.757C>T on transcript NM_001122659.3 (MANE Select); coding-DNA position 757, C replaced by T.
Protein change: p.Arg253Ter; replaces arginine 253 with a stop codon.
Molecular consequence: nonsense.
Genome position (GRCh38, 1-based): chr13:77,903,200, G>A on the plus strand (C>T on the coding strand, the complement: EDNRB is on the minus strand). VCF-style: chr13-77903200-G-A. GRCh37 (hg19) VCF-style: chr13-78477335-G-A.
Other names: c.757C>T, p.Arg253Ter (NM_000115.5, NM_003991.4); c.1027C>T, p.Arg343Ter (NM_001201397.2); short protein forms R253*, R343*.
Identifiers: ClinVar variation 16639 (VCV000016639.13), dbSNP rs104894390, ClinGen allele CA126745.

ClinVar aggregate classification (germline): Pathogenic. Review status: criteria provided, multiple submitters, no conflicts (2 of 4 stars). 5 submissions from 5 submitters: Pathogenic (4). 1 of the submissions does not count toward it. Last evaluated 2026-08-26.

Conditions:
Monogenic hearing loss.
Waardenburg syndrome type 4A (WS4A). Also called: WAARDENBURG SYNDROME WITH HIRSCHSPRUNG DISEASE, TYPE 4A. Identifiers: Orphanet 897, MedGen C1848519, MONDO:0010192, OMIM 277580.

Submissions (5):

GeneDx
Classification: Pathogenic. Last evaluated: 2026-08-26. Review status: criteria provided, single submitter. Criteria: GeneDx Variant Classification Process June 2021. Collection method: clinical testing. Allele origin: germline.
Comment: Nonsense variant predicted to result in protein truncation or nonsense mediated decay in a gene for which loss of function is a known mechanism of disease; Not observed at significant frequency in large population cohorts (gnomAD); This variant is associated with the following publications: (PMID: 25525159, 16618617, 18348274, 40121402, 41216507, 10528251)

Dasa
Classification: Pathogenic. Last evaluated: 2026-03-26. Review status: criteria provided, single submitter. Criteria: DASA Assertion Criteria. Collection method: clinical testing. Allele origin: germline.
Comment: NM_001122659.3(EDNRB):c.757C>T (p.Arg253*) introduces a premature termination codon predicted to result in loss of normal protein function. Loss-of-function is an established mechanism of disease for this gene. Segregation evidence has been reported in affected families. This variant has been recurrently observed in individuals with related phenotype (PMID: 40121402; PMID: 10528251; PMID: 38079020). The variant is present at low frequency in population datasets. Based on the available data, this variant is classified as pathogenic.

Genetics Laboratory, Great Ormond Street Hospital NHS Foundation Trust, North Thames Genomic Laboratory Hub
Classification: Pathogenic for Monogenic hearing loss. Last evaluated: 2026-02-04. Review status: criteria provided, single submitter. Criteria: ACGS Best Practice Guidelines for Variant Classification in Rare Disease 2024 v1.2. Collection method: clinical testing. Allele origin: germline. Affected: yes.
Comment: PS4_moderate, PM2_moderate, PVS1_very-strong, PP1_strong

Labcorp Genetics (formerly Invitae), Labcorp
Classification: Pathogenic. Last evaluated: 2021-04-16. Review status: criteria provided, single submitter. Criteria: Invitae Variant Classification Sherloc (09022015). Collection method: clinical testing. Allele origin: germline.
Comment: This sequence change creates a premature translational stop signal (p.Arg253*) in the EDNRB gene. It is expected to result in an absent or disrupted protein product. Loss-of-function variants in EDNRB are known to be pathogenic (PMID: 8001159, 20127975). This variant is not present in population databases (ExAC no frequency). This variant has been observed in individual(s) with clinical features of Waardenburg syndrome type 4A (PMID: 10528251). It has also been observed to segregate with disease in related individuals. ClinVar contains an entry for this variant (Variation ID: 16639). For these reasons, this variant has been classified as Pathogenic.

OMIM
Classification: Pathogenic for WAARDENBURG SYNDROME, TYPE 4A. Last evaluated: 1999-11-05. Review status: no assertion criteria provided. Collection method: literature only. Allele origin: germline. Not counted in ClinVar's aggregate classification.

Literature cited by the submitters: PubMed 40121402 (cited by Dasa); PubMed 10528251 (cited by 3 submitters); PubMed 38079020 (cited by Dasa); PubMed 8001159 (cited by Labcorp Genetics (formerly Invitae), Labcorp); PubMed 20127975 (cited by Labcorp Genetics (formerly Invitae), Labcorp).